The following is an entry in ClinVar:

NM_005159.5(ACTC1):c.493G>A (p.Val165Ile)

Genes: ACTC1 (actin alpha cardiac muscle 1; minus strand), GJD2-DT (GJD2 divergent transcript; plus strand). Cytogenetic location: 15q14.
Variant type: single nucleotide variant.
Coding change: c.493G>A on transcript NM_005159.5 (MANE Select); coding-DNA position 493, G replaced by A.
Protein change: p.Val165Ile; replaces valine 165 with isoleucine.
Molecular consequence: missense variant.
Genome position (GRCh38, 1-based): chr15:34,792,531, C>T on the plus strand (G>A on the coding strand, the complement: ACTC1 is on the minus strand). VCF-style: chr15-34792531-C-T. GRCh37 (hg19) VCF-style: chr15-35084732-C-T.
Other names: short protein forms V165I.
Identifiers: ClinVar variation 1057982 (VCV001057982.7), dbSNP rs2140431000, ClinGen allele CA391631108.

ClinVar aggregate classification (germline): Uncertain significance (1 of 4 stars; one submission).

Conditions:
Hypertrophic cardiomyopathy 11. Also called: ACTC1-Related Familial Hypertrophic Cardiomyopathy. Identifiers: MedGen C2677506, MONDO:0012799, OMIM 612098.
Atrial septal defect 5 (ASD5). Identifiers: Orphanet 1478, MedGen C2748552, MONDO:0013011, OMIM 612794.
Dilated cardiomyopathy 1R (CMD1R). Identifiers: Orphanet 154, Orphanet 54260, MedGen C3150681, MONDO:0013261, OMIM 613424.

Submission:

Labcorp Genetics (formerly Invitae), Labcorp
Classification: Uncertain significance for Dilated cardiomyopathy 1R; Hypertrophic cardiomyopathy 11; Atrial septal defect 5. Last evaluated: 2024-04-29. Review status: criteria provided, single submitter. Criteria: Invitae Variant Classification Sherloc (09022015). Collection method: clinical testing. Allele origin: germline.
Comment: This sequence change replaces valine, which is neutral and non-polar, with isoleucine, which is neutral and non-polar, at codon 165 of the ACTC1 protein (p.Val165Ile). This variant is not present in population databases (gnomAD no frequency). This variant has not been reported in the literature in individuals affected with ACTC1-related conditions. ClinVar contains an entry for this variant (Variation ID: 1057982). Advanced modeling of protein sequence and biophysical properties (such as structural, functional, and spatial information, amino acid conservation, physicochemical variation, residue mobility, and thermodynamic stability) performed at Invitae indicates that this missense variant is not expected to disrupt ACTC1 protein function with a negative predictive value of 80%. In summary, the available evidence is currently insufficient to determine the role of this variant in disease. Therefore, it has been classified as a Variant of Uncertain Significance.